The following is an entry in ClinVar:

ClinVar aggregate classification (germline): Uncertain significance. Review status: criteria provided, multiple submitters, no conflicts (2 of 4 stars). 2 submissions from 2 submitters: Uncertain significance (2). Last evaluated 2024-07-16.

Allele frequency attached by ClinVar (database versions not stated): gnomAD exomes below 0.00001; gnomAD 0.00002; TOPMed 0.00002.
gnomAD v4.1: 5 of 1,421,742 alleles (0.00035%); highest among the groups gnomAD compares: African/African-American, 0.007%; no homozygotes.

Submissions (2):

Women's Health and Genetics/Laboratory Corporation of America, LabCorp
Classification: Uncertain significance. Last evaluated: 2024-07-16. Review status: criteria provided, single submitter. Criteria: LabCorp Variant Classification Summary - May 2015. Collection method: clinical testing. Allele origin: germline.
Comment: Variant summary: HBB c.*73T>C is located in the untranslated mRNA region downstream of the termination codon. Consensus agreement among computation tools predict no significant impact on normal splicing. However, these predictions have yet to be confirmed by functional studies. The variant was absent in 251040 control chromosomes (gnomAD). The available data on variant occurrences in the general population are insufficient to allow any conclusion about variant significance. To our knowledge, no occurrence of c.*73T>C in individuals affected with Beta Thalassemia and no experimental evidence demonstrating its impact on protein function have been reported. ClinVar contains an entry for this variant (Variation ID: 632855). Based on the evidence outlined above, the variant was classified as uncertain significance.

Quest Diagnostics Nichols Institute San Juan Capistrano
Classification: Uncertain significance. Last evaluated: 2024-03-28. Review status: criteria provided, single submitter. Criteria: Quest Diagnostics criteria. Collection method: clinical testing. Allele origin: unknown.
Comment: The HBB c.*73T>C variant has not been reported in individuals with HBB-related conditions in the published literature. The frequency of this variant in the general population, 0.000064 (2/31402 chromosomes (Genome Aggregation Database)), is uninformative in the assessment of its pathogenicity. Based on the available information, we are unable to determine the clinical significance of this variant.

NM_000518.5(HBB):c.*73T>C

Genes: HBB (hemoglobin subunit beta; minus strand), LOC107133510 (origin of replication at HBB; plus strand), LOC110006319 (beta-globin gene 3' regulatory region; plus strand). Cytogenetic location: 11p15.4.
Variant type: single nucleotide variant.
Coding change: c.*73T>C on transcript NM_000518.5 (MANE Select); 73 bases downstream of the stop codon, T replaced by C.
Molecular consequence: 3 prime UTR variant.
Genome position (GRCh38, 1-based): chr11:5,225,525, A>G on the plus strand (T>C on the coding strand, the complement: HBB is on the minus strand). VCF-style: chr11-5225525-A-G. GRCh37 (hg19) VCF-style: chr11-5246755-A-G.
Identifiers: ClinVar variation 632855 (VCV000632855.4), dbSNP rs1265505530, ClinGen allele CA597217419.
Genomic context (GRCh38, chr11:5,225,525, plus strand): 5'-TGCAATGAAAATAAATGTTTTTTATTAGGCAGAATCCAGATGCTCAAGGCCCTTCATAAT[A>G]TCCCCCAGTTTAGTAGTTGGACTTAGGGAACAAAGGAACCTTTAATAGAAATTGGACAGC-3'